The following is an entry in ClinVar:

NM_018668.5(VPS33B):c.1312C>T (p.Arg438Ter)

Gene: VPS33B (VPS33B late endosome and lysosome associated; minus strand). Cytogenetic location: 15q26.1.
Variant type: single nucleotide variant.
Coding change: c.1312C>T on transcript NM_018668.5 (MANE Select); coding-DNA position 1312, C replaced by T.
Protein change: p.Arg438Ter; replaces arginine 438 with a stop codon.
Molecular consequence: nonsense.
Genome position (GRCh38, 1-based): chr15:91,002,143, G>A on the plus strand (C>T on the coding strand, the complement: VPS33B is on the minus strand). VCF-style: chr15-91002143-G-A. GRCh37 (hg19) VCF-style: chr15-91545373-G-A.
Other names: c.1231C>T, p.Arg411Ter (NM_001289148.1); c.1039C>T, p.Arg347Ter (NM_001289149.1); c.1312C>T (NM_018668.3, NM_018668.4); short protein forms R438*, R347*, R411*.
Identifiers: ClinVar variation 2202 (VCV000002202.34), dbSNP rs121434384, ClinGen allele CA115404.

ClinVar aggregate classification (germline): Pathogenic. Review status: criteria provided, multiple submitters, no conflicts (2 of 4 stars). 6 submissions from 6 submitters: Pathogenic (5). 1 of the submissions does not count toward it. Last evaluated 2025-08-19.

Conditions:
Keratoderma-ichthyosis-deafness syndrome, autosomal recessive (KDIDAR). Identifiers: MedGen C5774200, MONDO:0859278, OMIM 620009.
Cholestasis, progressive familial intrahepatic, 12 (PFIC12). Also called: CHOLESTASIS, ISOLATED LOW-GGT. Identifiers: MedGen C5774311, MONDO:0031040, OMIM 620010.
Arthrogryposis, renal dysfunction, and cholestasis 1 (ARCS1). Identifiers: Orphanet 2697, MedGen C1859722, MONDO:0008822, OMIM 208085.
VPS33B-related disorder. Also called: VPS33B-related condition.

Allele frequency attached by ClinVar (database versions not stated): gnomAD exomes 0.00001; TOPMed 0.00002.
gnomAD v4.1: 13 of 1,614,078 alleles (0.00081%); highest among the groups gnomAD compares: South Asian, 0.0033%; no homozygotes.

Submissions (6):

3billion
Classification: Pathogenic for Arthrogryposis, renal dysfunction, and cholestasis 1. Last evaluated: 2025-08-19. Review status: criteria provided, single submitter. Criteria: ACMG Guidelines, 2015. Collection method: clinical testing. Allele origin: germline. Affected: yes.
Comment: The variant is observed at an extremely low frequency in the gnomAD v4.1.0 dataset (total allele frequency: <0.001%). Predicted Consequence/Location: Stop-gained (nonsense): predicted to result in a loss or disruption of normal protein function through nonsense-mediated decay (NMD) or protein truncation. Multiple pathogenic variants are reported downstream of the variant. The variant has been reported at least twice as pathogenic with clinical assertions and evidence for the classification (ClinVar ID: VCV000002202 /PMID: 15052268). Therefore, this variant is classified as Pathogenic according to the recommendation of ACMG/AMP guideline.

PreventionGenetics, part of Exact Sciences
Classification: Pathogenic for VPS33B-related condition. Last evaluated: 2025-05-22. Review status: criteria provided, single submitter. Criteria: ACMG Guidelines, 2015. Collection method: clinical testing. Allele origin: germline.
Comment: The VPS33B c.1312C>T variant is predicted to result in premature protein termination (p.Arg438*). This variant has been reported in the homozygous state in multiple unrelated individuals from consanguineous families with arthrogryposis, renal dysfunction and cholestasis (Gissen et al. 2004. PubMed ID: 15052268). This variant is reported in 0.0033% of alleles in individuals of South Asian descent in gnomAD. Nonsense variants in VPS33B are expected to be pathogenic. This variant is interpreted as pathogenic.

Fulgent Genetics
Classification: Pathogenic for Arthrogryposis, renal dysfunction, and cholestasis 1; Keratoderma-ichthyosis-deafness syndrome, autosomal recessive; Cholestasis, progressive familial intrahepatic, 12. Last evaluated: 2024-04-25. Review status: criteria provided, single submitter. Criteria: ACMG Guidelines, 2015. Collection method: clinical testing. Allele origin: germline.

GeneDx
Classification: Pathogenic. Last evaluated: 2023-07-28. Review status: criteria provided, single submitter. Criteria: GeneDx Variant Classification Process June 2021. Collection method: clinical testing. Allele origin: germline. Affected: yes.
Comment: Nonsense variant predicted to result in protein truncation or nonsense mediated decay in a gene for which loss of function is a known mechanism of disease; Not observed at significant frequency in large population cohorts (gnomAD); This variant is associated with the following publications: (PMID: 25525159, 17994566, 16896922, 23918659, 11668108, 8151641, 15052268)

CeGaT Center for Human Genetics Tuebingen
Classification: Pathogenic. Last evaluated: 2022-09-01. Review status: criteria provided, single submitter. Criteria: CeGaT Center For Human Genetics Tuebingen Variant Classification Criteria Version 2. Collection method: clinical testing. Allele origin: germline. Affected: yes. Observed: 1 variant allele.
Comment: VPS33B: PVS1, PM2, PM3

OMIM
Classification: Pathogenic for ARTHROGRYPOSIS, RENAL DYSFUNCTION, AND CHOLESTASIS 1. Last evaluated: 2007-12-01. Review status: no assertion criteria provided. Collection method: literature only. Allele origin: germline. Not counted in ClinVar's aggregate classification.

Literature cited by the submitters: PubMed 15052268 (cited by 3billion and OMIM); PubMed 11668108 (cited by OMIM); PubMed 8151641 (cited by OMIM); PubMed 16896922 (cited by OMIM); PubMed 17994566 (cited by OMIM).